The following is an entry in ClinVar:

ClinVar aggregate classification (germline): Conflicting classifications of pathogenicity. Review status: criteria provided, conflicting classifications (1 of 4 stars). 3 submissions from 3 submitters: Uncertain significance (1); Likely benign (1). 1 of the submissions does not count toward it. Last evaluated 2025-10-09.

Conditions:
Primary ciliary dyskinesia. Also called: Ciliary dyskinesia. Identifiers: Orphanet 244, MedGen C0008780, MONDO:0016575, HP:0012265.

Allele frequency attached by ClinVar (database versions not stated): gnomAD 0.00002 and 0.00003; TOPMed 0.00003; gnomAD exomes 0.00004 and 0.00005; ExAC 0.00006; ESP Exome Variant Server 0.00008; 1000 Genomes Project 30x 0.00016; 1000 Genomes Project 0.00020.
gnomAD v4.1: 64 of 1,613,280 alleles (0.004%); highest among the groups gnomAD compares: South Asian, 0.0066%; no homozygotes.

Submissions (3):

Labcorp Genetics (formerly Invitae), Labcorp
Classification: Likely benign for Primary ciliary dyskinesia. Last evaluated: 2025-10-09. Review status: criteria provided, single submitter. Criteria: Invitae Variant Classification Sherloc (09022015). Collection method: clinical testing. Allele origin: germline.

Ambry Genetics
Classification: Uncertain significance for Primary ciliary dyskinesia. Last evaluated: 2022-03-25. Review status: criteria provided, single submitter. Criteria: Ambry Variant Classification Scheme 2023. Collection method: clinical testing. Allele origin: germline.
Comment: The p.R4243C variant (also known as c.12727C>T), located in coding exon 74 of the DNAH5 gene, results from a C to T substitution at nucleotide position 12727. The arginine at codon 4243 is replaced by cysteine, an amino acid with highly dissimilar properties. This amino acid position is conserved. In addition, this alteration is predicted to be tolerated by in silico analysis. Since supporting evidence is limited at this time, the clinical significance of this alteration remains unclear.

Natera, Inc.
Classification: Uncertain significance for Primary ciliary dyskinesia. Last evaluated: 2020-05-11. Review status: no assertion criteria provided. Collection method: clinical testing. Allele origin: germline. Not counted in ClinVar's aggregate classification.

NM_001369.3(DNAH5):c.12727C>T (p.Arg4243Cys)

Gene: DNAH5 (dynein axonemal heavy chain 5; minus strand). Cytogenetic location: 5p15.2.
Variant type: single nucleotide variant.
Coding change: c.12727C>T on transcript NM_001369.3 (MANE Select); coding-DNA position 12727, C replaced by T.
Protein change: p.Arg4243Cys; replaces arginine 4243 with cysteine.
Molecular consequence: missense variant.
Genome position (GRCh38, 1-based): chr5:13,716,669, G>A on the plus strand (C>T on the coding strand, the complement: DNAH5 is on the minus strand). VCF-style: chr5-13716669-G-A. GRCh37 (hg19) VCF-style: chr5-13716778-G-A.
Other names: short protein forms R4243C.
Identifiers: ClinVar variation 971846 (VCV000971846.12), dbSNP rs150357258, ClinGen allele CA3201535.